The following is an entry in ClinVar:

NM_005465.7(AKT3):c.6C>T (p.Ser2=)

Gene: AKT3 (AKT serine/threonine kinase 3; minus strand). Cytogenetic location: 1q44.
Variant type: single nucleotide variant.
Coding change: c.6C>T on transcript NM_005465.7 (MANE Select); coding-DNA position 6, C replaced by T.
Protein change: p.Ser2=; no amino-acid change (serine 2 retained).
Molecular consequence: synonymous variant.
Genome position (GRCh38, 1-based): chr1:243,843,165, G>A on the plus strand (C>T on the coding strand, the complement: AKT3 is on the minus strand). VCF-style: chr1-243843165-G-A. GRCh37 (hg19) VCF-style: chr1-244006467-G-A.
Other names: c.6C>T, p.Ser2= (NM_001206729.2, NM_001370074.1, NM_181690.2).
Identifiers: ClinVar variation 389504 (VCV000389504.1), dbSNP rs1057523451, ClinGen allele CA16603670.

ClinVar aggregate classification (germline): Likely benign (1 of 4 stars; one submission).

Allele frequency attached by ClinVar (database versions not stated): gnomAD exomes below 0.00001; gnomAD 0.00001; TOPMed 0.00002.
gnomAD v4.1: 8 of 1,613,396 alleles (0.0005%); highest among the groups gnomAD compares: East Asian, 0.0022%; no homozygotes.

Submission:

GeneDx
Classification: Likely benign. Last evaluated: 2016-09-28. Review status: criteria provided, single submitter. Criteria: GeneDx Variant Classification (06012015). Collection method: clinical testing. Allele origin: germline. Affected: yes.
Comment: This variant is considered likely benign or benign based on one or more of the following criteria: it is a conservative change, it occurs at a poorly conserved position in the protein, it is predicted to be benign by multiple in silico algorithms, and/or has population frequency not consistent with disease.